The following is an entry in ClinVar:

ClinVar aggregate classification (germline): Uncertain significance (1 of 4 stars; one submission).

Submission:

Labcorp Genetics (formerly Invitae), Labcorp
Classification: Uncertain significance. Last evaluated: 2023-12-22. Review status: criteria provided, single submitter. Criteria: Invitae Variant Classification Sherloc (09022015). Collection method: clinical testing. Allele origin: germline.
Comment: This sequence change replaces methionine, which is neutral and non-polar, with threonine, which is neutral and polar, at codon 61 of the ATP6V1A protein (p.Met61Thr). This variant is not present in population databases (gnomAD no frequency). This variant has not been reported in the literature in individuals affected with ATP6V1A-related conditions. Advanced modeling of protein sequence and biophysical properties (such as structural, functional, and spatial information, amino acid conservation, physicochemical variation, residue mobility, and thermodynamic stability) performed at Invitae indicates that this missense variant is not expected to disrupt ATP6V1A protein function with a negative predictive value of 80%. In summary, the available evidence is currently insufficient to determine the role of this variant in disease. Therefore, it has been classified as a Variant of Uncertain Significance.

NM_001690.4(ATP6V1A):c.182T>C (p.Met61Thr)

Gene: ATP6V1A (ATPase H+ transporting V1 subunit A; plus strand). Cytogenetic location: 3q13.31.
Variant type: single nucleotide variant.
Coding change: c.182T>C on transcript NM_001690.4 (MANE Select); coding-DNA position 182, T replaced by C.
Protein change: p.Met61Thr; replaces methionine 61 with threonine.
Molecular consequence: missense variant.
Genome position (GRCh38, 1-based): chr3:113,781,149, T>C. VCF-style: chr3-113781149-T-C. GRCh37 (hg19) VCF-style: chr3-113499996-T-C.
Other names: short protein forms M61T.
Identifiers: ClinVar variation 3005936 (VCV003005936.3), dbSNP rs2549717471, ClinGen allele CA354005273.